The following is an entry in ClinVar:

NM_001848.3(COL6A1):c.1855G>T (p.Val619Leu)

Gene: COL6A1 (collagen type VI alpha 1 chain; plus strand). Cytogenetic location: 21q22.3.
Variant type: single nucleotide variant.
Coding change: c.1855G>T on transcript NM_001848.3 (MANE Select); coding-DNA position 1855, G replaced by T.
Protein change: p.Val619Leu; replaces valine 619 with leucine.
Molecular consequence: missense variant.
Genome position (GRCh38, 1-based): chr21:46,001,285, G>T. VCF-style: chr21-46001285-G-T. GRCh37 (hg19) VCF-style: chr21-47421199-G-T.
Other names: c.1855G>T (NM_001848.2); short protein forms V619L.
Identifiers: ClinVar variation 1430785 (VCV001430785.9), dbSNP rs150938324, ClinGen allele CA321975484.

ClinVar aggregate classification (germline): Uncertain significance. Review status: criteria provided, multiple submitters, no conflicts (2 of 4 stars). 3 submissions from 3 submitters: Uncertain significance (3). Last evaluated 2025-08-04.

Conditions:
Ullrich congenital muscular dystrophy 1A. Also called: Intermediate COL6-RD; Ullrich congenital muscular dystrophy 1. Identifiers: Orphanet 75840, MedGen C0410179, MONDO:0009681, OMIM 254090.
Bethlem myopathy 1A. Also called: MYOPATHY, BENIGN CONGENITAL, WITH CONTRACTURES; Bethlem Muscular Dystrophy; Bethlem myopathy 1. Identifiers: Orphanet 610, MedGen CN029274, MONDO:0024530, OMIM 158810.

Submissions (3):

GeneDx
Classification: Uncertain significance. Last evaluated: 2025-08-04. Review status: criteria provided, single submitter. Criteria: GeneDx Variant Classification Process June 2021. Collection method: clinical testing. Allele origin: germline. Affected: yes.
Comment: Reported in one individual from a cohort of patients with neuromuscular disease; however, further clinical information was not provided (PMID: 32528171); Not observed at significant frequency in large population cohorts (gnomAD); In silico analysis suggests this variant may impact gene splicing. In the absence of RNA/functional studies, the actual effect of this sequence change is unknown.; In silico analysis suggests that this missense variant does not alter protein structure/function; This variant is associated with the following publications: (PMID: 32528171)

Labcorp Genetics (formerly Invitae), Labcorp
Classification: Uncertain significance for Bethlem myopathy 1A. Last evaluated: 2025-06-24. Review status: criteria provided, single submitter. Criteria: Invitae Variant Classification Sherloc (09022015). Collection method: clinical testing. Allele origin: germline.
Comment: This sequence change replaces valine, which is neutral and non-polar, with leucine, which is neutral and non-polar, at codon 619 of the COL6A1 protein (p.Val619Leu). The frequency data for this variant in the population databases is considered unreliable, as metrics indicate poor data quality at this position in the gnomAD database. This missense change has been observed in individual(s) with clinical features of COL6A1-related conditions (PMID: 32528171). ClinVar contains an entry for this variant (Variation ID: 1430785). Invitae Evidence Modeling of protein sequence and biophysical properties (such as structural, functional, and spatial information, amino acid conservation, physicochemical variation, residue mobility, and thermodynamic stability) indicates that this missense variant is not expected to disrupt COL6A1 protein function with a negative predictive value of 95%. Algorithms developed to predict the effect of sequence changes on RNA splicing suggest that this variant may create or strengthen a splice site. In summary, the available evidence is currently insufficient to determine the role of this variant in disease. Therefore, it has been classified as a Variant of Uncertain Significance.

3billion
Classification: Uncertain significance for Ullrich congenital muscular dystrophy 1A. Last evaluated: 2024-07-03. Review status: criteria provided, single submitter. Criteria: ACMG Guidelines, 2015. Collection method: clinical testing. Allele origin: germline. Affected: yes.
Comment: The variant is observed at an extremely low frequency in the gnomAD v4.0.0 dataset (total allele frequency: <0.001%). Predicted Consequence/Location: Missense variant Damaging effect on gene or gene product predicted by in silico programs is uncertain [REVEL: 0.49 (damaging >=0.6, benign <0.4), 3Cnet: 0.07 (damaging >=0.6, benign <0.15)]. The same nucleotide change resulting in the same amino acid change has been previously reported to be associated with COL6A1 related disorder (PMID: 32528171). However, the evidence of pathogenicity is insufficient at this time. Therefore, this variant is classified as VUS according to the recommendation of ACMG/AMP guideline.

Literature cited by the submitters: PubMed 32528171 (cited by Labcorp Genetics (formerly Invitae), Labcorp and 3billion).